The following is an entry in ClinVar:

NC_000010.11:g.30349296_30349301dup

Genes: MTPAP (mitochondrial poly(A) polymerase; minus strand), LOC130003598 (ATAC-STARR-seq lymphoblastoid active region 3207; plus strand). Cytogenetic location: 10p11.23.
Variant type: Duplication.
Genome position: GRCh38 VCF-style: chr10-30349279-T-TAAAAAA. GRCh37 (hg19) VCF-style: chr10-30638208-T-TAAAAAA.
Identifiers: ClinVar variation 3388776 (VCV003388776.14).

ClinVar aggregate classification (germline): Likely benign (1 of 4 stars; one submission).

Submission:

CeGaT Center for Human Genetics Tuebingen
Classification: Likely benign. Last evaluated: 2025-03-01. Review status: criteria provided, single submitter. Criteria: CeGaT Center For Human Genetics Tuebingen Variant Classification Criteria Version 2. Collection method: clinical testing. Allele origin: germline. Affected: yes. Observed: 2 variant alleles.
Comment: MTPAP: BS2